The following is an entry in ClinVar:

ClinVar aggregate classification (germline): Likely benign (1 of 4 stars; one submission).

Allele frequency attached by ClinVar (database versions not stated): gnomAD exomes below 0.00001; TOPMed below 0.00001; gnomAD 0.00001.
gnomAD v4.1: 3 of 1,497,558 alleles (0.0002%); highest among the groups gnomAD compares: East Asian, 0.0054%; no homozygotes.

Submission:

CeGaT Center for Human Genetics Tuebingen
Classification: Likely benign. Last evaluated: 2022-10-01. Review status: criteria provided, single submitter. Criteria: CeGaT Center For Human Genetics Tuebingen Variant Classification Criteria Version 2. Collection method: clinical testing. Allele origin: germline. Affected: yes. Observed: 1 variant allele.
Comment: RGL2: BP4

NM_004761.5(RGL2):c.63C>T (p.Ser21=)

Gene: RGL2 (ral guanine nucleotide dissociation stimulator like 2; minus strand). Cytogenetic location: 6p21.32.
Variant type: single nucleotide variant.
Coding change: c.63C>T on transcript NM_004761.5 (MANE Select); coding-DNA position 63, C replaced by T.
Protein change: p.Ser21=; no amino-acid change (serine 21 retained).
Molecular consequence: synonymous variant. On other transcripts: intron variant (1).
Genome position (GRCh38, 1-based): chr6:33,298,548, G>A on the plus strand (C>T on the coding strand, the complement: RGL2 is on the minus strand). VCF-style: chr6-33298548-G-A. GRCh37 (hg19) VCF-style: chr6-33266325-G-A.
Other names: c.-91+322C>T (NM_001243738.2).
Identifiers: ClinVar variation 2656485 (VCV002656485.24), dbSNP rs1164421307, ClinGen allele CA449871275.
Genomic context (GRCh38, chr6:33,298,548, plus strand): 5'-CCCGCCCACGACCAGGCCACCTGGGCCCCCACCCTCTTCGGGGTCCCGGCTTCGGAAGCT[G>A]CTCAGTACGACTCCCCCGGGGGGGCTCGTGTCCAAAAGCAGCCGCAGGGGCCGCGGGAGC-3'
Protein context (NP_004752.1, residues 11-31): DTSPPGGVVL[Ser21=]SFRSRDPEEG